The following is an entry in ClinVar:

ClinVar aggregate classification (germline): Likely benign (1 of 4 stars; one submission).

Allele frequency attached by ClinVar (database versions not stated): TOPMed 0.00015; 1000 Genomes Project 30x 0.00016; 1000 Genomes Project 0.00020; ExAC 0.00024.
gnomAD v4.1: 212 of 1,614,154 alleles (0.013%); highest among the groups gnomAD compares: Admixed American, 0.027%; no homozygotes.

Submission:

CeGaT Center for Human Genetics Tuebingen
Classification: Likely benign. Last evaluated: 2022-10-01. Review status: criteria provided, single submitter. Criteria: CeGaT Center For Human Genetics Tuebingen Variant Classification Criteria Version 2. Collection method: clinical testing. Allele origin: germline. Affected: yes. Observed: 1 variant allele.
Comment: GRIN2C: BP4, BP7

NM_000835.6(GRIN2C):c.2277C>T (p.Tyr759=)

Gene: GRIN2C (glutamate ionotropic receptor NMDA type subunit 2C; minus strand). Cytogenetic location: 17q25.1.
Variant type: single nucleotide variant.
Coding change: c.2277C>T on transcript NM_000835.6 (MANE Select); coding-DNA position 2277, C replaced by T.
Protein change: p.Tyr759=; no amino-acid change (tyrosine 759 retained).
Molecular consequence: synonymous variant. On other transcripts: non-coding transcript variant (1).
Genome position (GRCh38, 1-based): chr17:74,846,139, G>A on the plus strand (C>T on the coding strand, the complement: GRIN2C is on the minus strand). VCF-style: chr17-74846139-G-A. GRCh37 (hg19) VCF-style: chr17-72842278-G-A.
Other names: c.2277C>T, p.Tyr759= (NM_001278553.2).
Identifiers: ClinVar variation 2648237 (VCV002648237.24), dbSNP rs148333702, ClinGen allele CA8752125.